The following is an entry in ClinVar:

NM_021614.4(KCNN2):c.804_805insTCC (p.Ala268_Ala269insSer)

Gene: KCNN2 (potassium calcium-activated channel subfamily N member 2; plus strand). Cytogenetic location: 5q22.3.
Variant type: Insertion.
Coding change: c.804_805insTCC on transcript NM_021614.4 (MANE Select); coding-DNA positions 804 to 805, TCC inserted.
Protein change: p.Ala268_Ala269insSer.
Molecular consequence: inframe insertion. On other transcripts: non-coding transcript variant (1).
Genome position: GRCh38 VCF-style: chr5-114362941-G-GCCT. GRCh37 (hg19) VCF-style: chr5-113698638-G-GCCT.
Other names: c.1002_1003insTCC, p.Ala334_Ala335insSer (NM_001372233.1).
Identifiers: ClinVar variation 1687498 (VCV001687498.1), dbSNP rs1350650196, ClinGen allele CA802198097.

ClinVar aggregate classification (germline): Uncertain significance (1 of 4 stars; one submission).

Conditions:
Neurodevelopmental disorder with or without variable movement or behavioral abnormalities (NEDMAB). Identifiers: MedGen C5676908, MONDO:0859225, OMIM 619725.

Submission:

3billion
Classification: Uncertain significance for Neurodevelopmental disorder with or without variable movement or behavioral abnormalities. Last evaluated: 2022-05-22. Review status: criteria provided, single submitter. Criteria: ACMG Guidelines, 2015. Collection method: clinical testing. Allele origin: germline. Affected: yes. Observed: 1 heterozygote.
Comment: The variant is not observed in the gnomAD v2.1.1 dataset. Inframe insertion located in a nonrepeat region: predicted to change the length of the protein and disrupt normal protein function. Therefore, this variant is classified as uncertain significanceaccording to the recommendation of ACMG/AMP guideline.